The following is an entry in ClinVar:

NM_001114753.3(ENG):c.593C>G (p.Pro198Arg)

Gene: ENG (endoglin; minus strand). Cytogenetic location: 9q34.11.
Variant type: single nucleotide variant.
Coding change: c.593C>G on transcript NM_001114753.3 (MANE Select); coding-DNA position 593, C replaced by G.
Protein change: p.Pro198Arg; replaces proline 198 with arginine.
Molecular consequence: missense variant.
Genome position (GRCh38, 1-based): chr9:127,825,791, G>C on the plus strand (C>G on the coding strand, the complement: ENG is on the minus strand). VCF-style: chr9-127825791-G-C. GRCh37 (hg19) VCF-style: chr9-130588070-G-C.
Other names: c.593C>G, p.Pro198Arg (NM_000118.4, NM_001406715.1); c.47C>G, p.Pro16Arg (NM_001278138.2); short protein forms P16R, P198R.
Identifiers: ClinVar variation 1356954 (VCV001356954.9), dbSNP rs777633247, ClinGen allele CA374983666.

ClinVar aggregate classification (germline): Uncertain significance (1 of 4 stars; one submission).

Conditions:
Hereditary hemorrhagic telangiectasia (HHT). Also called: ORW DISEASE; Osler Weber Rendu syndrome; OSLER-RENDU-WEBER DISEASE; Osler hemorrhagic telangiectasia syndrome. Identifiers: Orphanet 774, MedGen C0039445, MONDO:0019180. Disease mechanism: loss of function.

Submission:

Labcorp Genetics (formerly Invitae), Labcorp
Classification: Uncertain significance for Hereditary hemorrhagic telangiectasia. Last evaluated: 2021-05-28. Review status: criteria provided, single submitter. Criteria: Invitae Variant Classification Sherloc (09022015). Collection method: clinical testing. Allele origin: germline.
Comment: This sequence change replaces proline with arginine at codon 198 of the ENG protein (p.Pro198Arg). The proline residue is moderately conserved and there is a moderate physicochemical difference between proline and arginine. This variant is not present in population databases (ExAC no frequency). This variant has not been reported in the literature in individuals with ENG-related conditions. Advanced modeling of protein sequence and biophysical properties (such as structural, functional, and spatial information, amino acid conservation, physicochemical variation, residue mobility, and thermodynamic stability) performed at Invitae indicates that this missense variant is not expected to disrupt ENG protein function. In summary, the available evidence is currently insufficient to determine the role of this variant in disease. Therefore, it has been classified as a Variant of Uncertain Significance.